The following is an entry in ClinVar:

NM_001267550.2(TTN):c.19770A>G (p.Thr6590=)

Genes: TTN (titin; minus strand), LOC126806429 (BRD4-independent group 4 enhancer GRCh37_chr2:179591393-179592592; plus strand). Cytogenetic location: 2q31.2.
Variant type: single nucleotide variant.
Coding change: c.19770A>G on transcript NM_001267550.2 (MANE Select); coding-DNA position 19770, A replaced by G.
Protein change: p.Thr6590=; no amino-acid change (threonine 6590 retained).
Molecular consequence: synonymous variant. On other transcripts: intron variant (3).
Genome position (GRCh38, 1-based): chr2:178,727,808, T>C on the plus strand (A>G on the coding strand, the complement: TTN is on the minus strand). VCF-style: chr2-178727808-T-C. GRCh37 (hg19) VCF-style: chr2-179592535-T-C.
Other names: c.18819A>G, p.Thr6273= (NM_001256850.1); c.16038A>G, p.Thr5346= (NM_133378.4); c.13282+10274A>G (NM_003319.4); c.13858+10274A>G (NM_133437.4); c.13657+10274A>G (NM_133432.3).
Identifiers: ClinVar variation 535566 (VCV000535566.35), dbSNP rs775289296, ClinGen allele CA2001339.

ClinVar aggregate classification (germline): Conflicting classifications of pathogenicity. Review status: criteria provided, conflicting classifications (1 of 4 stars). 14 submissions from 10 submitters: Uncertain significance (6); Likely benign (5). 3 of the submissions do not count toward it. Last evaluated 2026-03-27.

Conditions:
Cardiomyopathy (CMYO). Also called: Cardiomyopathies. Identifiers: Orphanet 167848, MedGen C0878544, MONDO:0004994, HP:0001638. Inheritance: Various modes of inheritance.
TTN-related disorder. Also called: TTN-related disorders; TTN-related condition; TTN-related disease.
Early-onset myopathy with fatal cardiomyopathy (CMYO5). Also called: Salih Myopathy; CONGENITAL MYOPATHY 5 WITH CARDIOMYOPATHY. Identifiers: Orphanet 289377, MedGen C2673677, MONDO:0012714, OMIM 611705. Disease mechanism: loss of function.
Dilated cardiomyopathy 1G (CMD1G). Identifiers: Orphanet 154, MedGen C1858763, MONDO:0011400, OMIM 604145.
Autosomal recessive limb-girdle muscular dystrophy type 2J (LGMDR10). Also called: Limb-girdle muscular dystrophy, type 2J; MUSCULAR DYSTROPHY, LIMB-GIRDLE, AUTOSOMAL RECESSIVE 10. Identifiers: Orphanet 140922, MedGen C1837342, MONDO:0012127, OMIM 608807.
Myopathy, myofibrillar, 9, with early respiratory failure (MFM9). Also called: EDSTROM MYOPATHY; MYOPATHY, PROXIMAL, WITH EARLY RESPIRATORY MUSCLE INVOLVEMENT; Myopathy, distal, with early respiratory failure, autosomal dominant; Hereditary myopathy with early respiratory failure. Identifiers: Orphanet 178464, Orphanet 34521, MedGen C1863599, MONDO:0011362, OMIM 603689.
Tibial muscular dystrophy (TMD). Also called: UDD MYOPATHY; Tibial muscular dystrophy, tardive; Udd Distal Myopathy – Tibial Muscular Dystrophy. Identifiers: Orphanet 609, MedGen C1838244, MONDO:0010870, OMIM 600334.

Allele frequency attached by ClinVar (database versions not stated): ExAC 0.00001; gnomAD exomes 0.00002 and 0.00006; TOPMed 0.00003; gnomAD 0.00004 and 0.00005.
gnomAD v4.1: 93 of 1,612,302 alleles (0.0058%); highest among the groups gnomAD compares: Non-Finnish European, 0.007%; no homozygotes.

Submissions (14):

Molecular Diagnostic Laboratory for Inherited Cardiovascular Disease, Montreal Heart Institute
Classification: Likely benign. Last evaluated: 2026-03-27. Review status: criteria provided, single submitter. Criteria: ACMG Guidelines, 2015. Collection method: clinical testing. Allele origin: germline. Affected: no.
Comment: BP7

Labcorp Genetics (formerly Invitae), Labcorp
Classification: Likely benign for Dilated cardiomyopathy 1G; Autosomal recessive limb-girdle muscular dystrophy type 2J. Last evaluated: 2026-01-11. Review status: criteria provided, single submitter. Criteria: Invitae Variant Classification Sherloc (09022015). Collection method: clinical testing. Allele origin: germline.

CeGaT Center for Human Genetics Tuebingen
Classification: Likely benign. Last evaluated: 2024-10-01. Review status: criteria provided, single submitter. Criteria: CeGaT Center For Human Genetics Tuebingen Variant Classification Criteria Version 2. Collection method: clinical testing. Allele origin: germline. Affected: yes. Observed: 1 variant allele.
Comment: TTN: BP4, BP7

Blueprint Genetics
Classification: Likely benign. Last evaluated: 2023-10-18. Review status: criteria provided, single submitter. Criteria: ACMG Guidelines, 2015. Collection method: clinical testing. Allele origin: germline.

CHEO Genetics Diagnostic Laboratory, Children's Hospital of Eastern Ontario
Classification: Uncertain significance for Cardiomyopathy. Last evaluated: 2022-09-06. Review status: criteria provided, single submitter. Criteria: ACMG Guidelines, 2015. Collection method: clinical testing. Allele origin: germline.

GeneDx
Classification: Likely benign. Last evaluated: 2020-12-31. Review status: criteria provided, single submitter. Criteria: GeneDx Variant Classification Process June 2021. Collection method: clinical testing. Allele origin: germline. Affected: yes.

Illumina Laboratory Services, Illumina
Classification: Uncertain significance for Tibial muscular dystrophy. Last evaluated: 2018-01-12. Review status: criteria provided, single submitter. Criteria: ICSL Variant Classification Criteria 13 December 2019. Collection method: clinical testing. Allele origin: germline.

Illumina Laboratory Services, Illumina
Classification: Uncertain significance for Autosomal recessive limb-girdle muscular dystrophy type 2J. Last evaluated: 2018-01-12. Review status: criteria provided, single submitter. Criteria: ICSL Variant Classification Criteria 13 December 2019. Collection method: clinical testing. Allele origin: germline.

Illumina Laboratory Services, Illumina
Classification: Uncertain significance for Early-onset myopathy with fatal cardiomyopathy. Last evaluated: 2018-01-12. Review status: criteria provided, single submitter. Criteria: ICSL Variant Classification Criteria 13 December 2019. Collection method: clinical testing. Allele origin: germline.

Illumina Laboratory Services, Illumina
Classification: Uncertain significance for Myopathy, myofibrillar, 9, with early respiratory failure. Last evaluated: 2018-01-12. Review status: criteria provided, single submitter. Criteria: ICSL Variant Classification Criteria 13 December 2019. Collection method: clinical testing. Allele origin: germline.

Illumina Laboratory Services, Illumina
Classification: Uncertain significance for Dilated cardiomyopathy 1G. Last evaluated: 2018-01-12. Review status: criteria provided, single submitter. Criteria: ICSL Variant Classification Criteria 13 December 2019. Collection method: clinical testing. Allele origin: germline.

PreventionGenetics, part of Exact Sciences
Classification: Likely benign for TTN-related condition. Last evaluated: 2023-12-05. Review status: no assertion criteria provided. Collection method: clinical testing. Allele origin: germline. Not counted in ClinVar's aggregate classification.
Comment: This variant is classified as likely benign based on ACMG/AMP sequence variant interpretation guidelines (Richards et al. 2015 PMID: 25741868, with internal and published modifications).

Clinical Genetics, Academic Medical Center
Classification: Benign. Review status: no assertion criteria provided. Collection method: clinical testing. Allele origin: germline. Affected: yes. Study: VKGL Data-share Consensus. Not counted in ClinVar's aggregate classification.

Joint Genome Diagnostic Labs from Nijmegen and Maastricht, Radboudumc and MUMC+
Classification: Likely benign. Review status: no assertion criteria provided. Collection method: clinical testing. Allele origin: germline. Affected: yes. Study: VKGL Data-share Consensus. Not counted in ClinVar's aggregate classification.